The following is an entry in ClinVar:

NM_005744.5(ARIH1):c.252_260del (p.Gly88_Gly90del)

Gene: ARIH1 (ariadne RBR E3 ubiquitin protein ligase 1; plus strand). Cytogenetic location: 15q24.1.
Variant type: Deletion.
Coding change: c.252_260del on transcript NM_005744.5 (MANE Select); coding-DNA positions 252 to 260, 9 bases deleted (CGGCGGTGG; older notation c.252_260delCGGCGGTGG).
Protein change: p.Gly88_Gly90del.
Molecular consequence: inframe deletion.
Genome position (GRCh38, 1-based): chr15:72,474,891-72,474,899, CGGCGGTGG deleted; deleting any 9 consecutive bases within chr15:72,474,889-72,474,899 gives the same sequence; the c. name uses the placement nearest the transcript's 3' end. VCF-style (leftmost placement, unchanged base first): chr15-72474888-CGGCGGCGGT-C. GRCh37 (hg19) VCF-style: chr15-72767229-CGGCGGCGGT-C.
Identifiers: ClinVar variation 3618572 (VCV003618572.2).

ClinVar aggregate classification (germline): Uncertain significance (1 of 4 stars; one submission).

Submission:

Labcorp Genetics (formerly Invitae), Labcorp
Classification: Uncertain significance. Last evaluated: 2025-12-03. Review status: criteria provided, single submitter. Criteria: Invitae Variant Classification Sherloc (09022015). Collection method: clinical testing. Allele origin: germline.
Comment: This variant, c.252_260del, results in the deletion of 3 amino acid(s) of the ARIH1 protein (p.Gly88_Gly90del), but otherwise preserves the integrity of the reading frame. The frequency data for this variant in the population databases is considered unreliable, as metrics indicate poor data quality at this position in the gnomAD database. This variant has not been reported in the literature in individuals affected with ARIH1-related conditions. ClinVar contains an entry for this variant (Variation ID: 3618572). Experimental studies and prediction algorithms are not available or were not evaluated, and the functional significance of this variant is currently unknown. In summary, the available evidence is currently insufficient to determine the role of this variant in disease. Therefore, it has been classified as a Variant of Uncertain Significance.